The following is an entry in ClinVar:

ClinVar aggregate classification (germline): Uncertain significance (1 of 4 stars; one submission).

Conditions:
Inborn genetic diseases. Identifiers: MedGen C0950123, MeSH D030342.

Submission:

Ambry Genetics
Classification: Uncertain significance for Inborn genetic diseases. Last evaluated: 2026-09-08. Review status: criteria provided, single submitter. Criteria: Ambry Variant Classification Scheme 2023. Collection method: clinical testing. Allele origin: germline.
Comment: The p.M1019I variant (also known as c.3057G>A), located in coding exon 23 of the BUB1B gene, results from a G to A substitution at nucleotide position 3057. The methionine at codon 1019 is replaced by isoleucine, an amino acid with highly similar properties. This amino acid position is conserved. In addition, this alteration is predicted to be tolerated by in silico analysis. Based on the available evidence, the clinical significance of this variant remains unclear.

NM_001211.6(BUB1B):c.3057G>A (p.Met1019Ile)

Genes: BUB1B (BUB1 mitotic checkpoint serine/threonine kinase B; plus strand), BUB1B-PAK6 (BUB1B-PAK6 readthrough; plus strand). Cytogenetic location: 15q15.1.
Variant type: single nucleotide variant.
Coding change: c.3057G>A on transcript NM_001211.6 (MANE Select); coding-DNA position 3057, G replaced by A.
Protein change: p.Met1019Ile; replaces methionine 1019 with isoleucine.
Molecular consequence: missense variant. On other transcripts: intron variant (2).
Genome position (GRCh38, 1-based): chr15:40,220,663, G>A. VCF-style: chr15-40220663-G-A. GRCh37 (hg19) VCF-style: chr15-40512864-G-A.
Other names: c.-201+2996G>A (NM_001128628.3); c.-118+2996G>A (NM_001128629.3); short protein forms M1019I.
Identifiers: ClinVar variation 5033549 (VCV005033549.1).